The following is an entry in ClinVar:

NM_006904.7(PRKDC):c.1616A>G (p.Gln539Arg)

Gene: PRKDC (protein kinase, DNA-activated, catalytic subunit; minus strand). Cytogenetic location: 8q11.21.
Variant type: single nucleotide variant.
Coding change: c.1616A>G on transcript NM_006904.7 (MANE Select); coding-DNA position 1616, A replaced by G.
Protein change: p.Gln539Arg; replaces glutamine 539 with arginine.
Molecular consequence: missense variant.
Genome position (GRCh38, 1-based): chr8:47,933,972, T>C on the plus strand (A>G on the coding strand, the complement: PRKDC is on the minus strand). VCF-style: chr8-47933972-T-C. GRCh37 (hg19) VCF-style: chr8-48846532-T-C.
Other names: c.1616A>G, p.Gln539Arg (NM_001081640.2); short protein forms Q539R.
Identifiers: ClinVar variation 1776491 (VCV001776491.2), dbSNP rs2551879176, ClinGen allele CA371165261.

ClinVar aggregate classification (germline): Uncertain significance (1 of 4 stars; one submission).

Allele frequency attached by ClinVar (database versions not stated): gnomAD exomes below 0.00001.
gnomAD v4.1: 2 of 1,611,148 alleles (0.00012%); highest among the groups gnomAD compares: Middle Eastern, 0.019%; no homozygotes.

Submission:

Ambry Genetics
Classification: Uncertain significance. Last evaluated: 2021-08-12. Review status: criteria provided, single submitter. Criteria: Ambry Variant Classification Scheme 2023. Collection method: clinical testing. Allele origin: germline.
Comment: The p.Q539R variant (also known as c.1616A>G), located in coding exon 15 of the PRKDC gene, results from an A to G substitution at nucleotide position 1616. The glutamine at codon 539 is replaced by arginine, an amino acid with highly similar properties. This amino acid position is conserved. In addition, this alteration is predicted to be tolerated by in silico analysis. Since supporting evidence is limited at this time, the clinical significance of this alteration remains unclear.